The following is an entry in ClinVar:

NM_194454.3(KRIT1):c.1326C>G (p.Thr442=)

Gene: KRIT1 (KRIT1 ankyrin repeat containing; minus strand). Cytogenetic location: 7q21.2.
Variant type: single nucleotide variant.
Coding change: c.1326C>G on transcript NM_194454.3 (MANE Select); coding-DNA position 1326, C replaced by G.
Protein change: p.Thr442=; no amino-acid change (threonine 442 retained).
Molecular consequence: synonymous variant.
Genome position (GRCh38, 1-based): chr7:92,222,907, G>C on the plus strand (C>G on the coding strand, the complement: KRIT1 is on the minus strand). VCF-style: chr7-92222907-G-C. GRCh37 (hg19) VCF-style: chr7-91852221-G-C.
Other names: c.1182C>G, p.Thr394= (NM_001013406.2, NM_001350669.1, NM_001350670.1); c.612C>G, p.Thr204= (NM_001350671.1); c.1326C>G, p.Thr442= (NM_001350672.1, NM_001350673.1, NM_001350674.1 and 26 more transcripts).
Identifiers: ClinVar variation 263094 (VCV000263094.21), dbSNP rs150912644, ClinGen allele CA4339137.

ClinVar aggregate classification (germline): Conflicting classifications of pathogenicity. Review status: criteria provided, conflicting classifications (1 of 4 stars). 6 submissions from 5 submitters: Uncertain significance (1); Benign (1); Likely benign (4). Last evaluated 2024-11-07.

Conditions:
Inborn genetic diseases. Identifiers: MedGen C0950123, MeSH D030342.
Angiokeratoma corporis diffusum with arteriovenous fistulas. Identifiers: MedGen C1838141, MONDO:0010885, OMIM 600419.
Cerebral cavernous malformation (CCM). Also called: Cerebral cavernous hemangioma (type); Cerebral cavernous malformations; Cavernous Hemangioma of Brain; CAVERNOUS ANGIOMA, FAMILIAL; CAVERNOUS ANGIOMATOUS MALFORMATIONS; CEREBRAL CAPILLARY MALFORMATIONS. Identifiers: Orphanet 221061, MedGen C2919945, MONDO:0000820, OMIM 116860, HP:0033522.

Allele frequency attached by ClinVar (database versions not stated): ExAC 0.00014; gnomAD exomes 0.00014; TOPMed 0.00014; ESP Exome Variant Server 0.00015; 1000 Genomes Project 30x 0.00016; 1000 Genomes Project 0.00020; gnomAD 0.00022 and 0.00023.
gnomAD v4.1: 440 of 1,601,872 alleles (0.027%); highest among the groups gnomAD compares: Non-Finnish European, 0.037%; no homozygotes.

Submissions (6):

Blueprint Genetics
Classification: Likely benign. Last evaluated: 2024-11-07. Review status: criteria provided, single submitter. Criteria: ACMG Guidelines, 2015. Collection method: clinical testing. Allele origin: germline.

Labcorp Genetics (formerly Invitae), Labcorp
Classification: Likely benign for Cerebral cavernous malformation. Last evaluated: 2023-07-22. Review status: criteria provided, single submitter. Criteria: Invitae Variant Classification Sherloc (09022015). Collection method: clinical testing. Allele origin: germline.

Ambry Genetics
Classification: Likely benign for Inborn genetic diseases. Last evaluated: 2022-05-06. Review status: criteria provided, single submitter. Criteria: Ambry Variant Classification Scheme 2023. Collection method: clinical testing. Allele origin: germline.

Illumina Laboratory Services, Illumina
Classification: Uncertain significance for Cerebral cavernous malformation. Last evaluated: 2018-01-13. Review status: criteria provided, single submitter. Criteria: ICSL Variant Classification Criteria 13 December 2019. Collection method: clinical testing. Allele origin: germline.

Illumina Laboratory Services, Illumina
Classification: Benign for Angiokeratoma corporis diffusum with arteriovenous fistulas. Last evaluated: 2018-01-13. Review status: criteria provided, single submitter. Criteria: ICSL Variant Classification Criteria 13 December 2019. Collection method: clinical testing. Allele origin: germline.
Comment: This variant was observed in the ICSL laboratory as part of a predisposition screen in an ostensibly healthy population. It had not been previously curated by ICSL or reported in the Human Gene Mutation Database (HGMD: prior to June 1st, 2018), and was therefore a candidate for classification through an automated scoring system. Utilizing variant allele frequency, disease prevalence and penetrance estimates, and inheritance mode, an automated score was calculated to assess if this variant is too frequent to cause the disease. Based on the score and internal cut-off values, a variant classified as benign is not then subjected to further curation. The score for this variant resulted in a classification of benign for this disease.

PreventionGenetics, part of Exact Sciences
Classification: Likely benign. Review status: criteria provided, single submitter. Criteria: ACMG Guidelines, 2015. Collection method: clinical testing. Allele origin: germline.